The following is an entry in ClinVar:

NM_015378.4(VPS13D):c.2536A>T (p.Thr846Ser)

Gene: VPS13D (vacuolar protein sorting 13 homolog D; plus strand). Cytogenetic location: 1p36.22.
Variant type: single nucleotide variant.
Coding change: c.2536A>T on transcript NM_015378.4 (MANE Select); coding-DNA position 2536, A replaced by T.
Protein change: p.Thr846Ser; replaces threonine 846 with serine.
Molecular consequence: missense variant.
Genome position (GRCh38, 1-based): chr1:12,276,124, A>T. VCF-style: chr1-12276124-A-T. GRCh37 (hg19) VCF-style: chr1-12336181-A-T.
Other names: c.2536A>T, p.Thr846Ser (NM_018156.4); short protein forms T846S.
Identifiers: ClinVar variation 2803656 (VCV002803656.3), dbSNP rs900580366, ClinGen allele CA18041837.
Genomic context (GRCh38, chr1:12,276,124, plus strand): 5'-ATCATGGTTGGACGAGTGAAAGACAATTGGAAGCATGTCCAGGATATTGACGTGGGACCA[A>T]CACATGTGGTAGAGAAGTTCAACGTTCACCTACAGTTAGAGCGTCGATTGATTTATACTT-3'
Protein context (NP_056193.2, residues 836-856): KHVQDIDVGP[Thr846Ser]HVVEKFNVHL

ClinVar aggregate classification (germline): Uncertain significance (1 of 4 stars; one submission).

Submission:

Labcorp Genetics (formerly Invitae), Labcorp
Classification: Uncertain significance. Last evaluated: 2023-06-21. Review status: criteria provided, single submitter. Criteria: Invitae Variant Classification Sherloc (09022015). Collection method: clinical testing. Allele origin: germline.
Comment: This variant has not been reported in the literature in individuals affected with VPS13D-related conditions. In summary, the available evidence is currently insufficient to determine the role of this variant in disease. Therefore, it has been classified as a Variant of Uncertain Significance. Advanced modeling of protein sequence and biophysical properties (such as structural, functional, and spatial information, amino acid conservation, physicochemical variation, residue mobility, and thermodynamic stability) has been performed at Invitae for this missense variant, however the output from this modeling did not meet the statistical confidence thresholds required to predict the impact of this variant on VPS13D protein function. This variant is not present in population databases (gnomAD no frequency). This sequence change replaces threonine, which is neutral and polar, with serine, which is neutral and polar, at codon 846 of the VPS13D protein (p.Thr846Ser).